The following is an entry in ClinVar:

NC_000007.14:g.128774506G>C

Gene: OPN1SW (opsin 1, short wave sensitive; minus strand). Cytogenetic location: 7q32.1.
Variant type: single nucleotide variant.
Genome position: GRCh38 VCF-style: chr7-128774506-G-C. GRCh37 (hg19) VCF-style: chr7-128414560-G-C.
Other names: NM_001708.2:c.679C>G.
Identifiers: ClinVar variation 844419 (VCV000844419.11), dbSNP rs760023341, ClinGen allele CA369218295.

ClinVar aggregate classification (germline): Uncertain significance (1 of 4 stars; one submission).

gnomAD v4.1: 5 of 1,613,908 alleles (0.00031%); highest among the groups gnomAD compares: South Asian, 0.0044%; no homozygotes.

Submission:

Labcorp Genetics (formerly Invitae), Labcorp
Classification: Uncertain significance. Last evaluated: 2022-09-01. Review status: criteria provided, single submitter. Criteria: Invitae Variant Classification Sherloc (09022015). Collection method: clinical testing. Allele origin: germline.
Comment: Algorithms developed to predict the effect of missense changes on protein structure and function (SIFT, PolyPhen-2, Align-GVGD) all suggest that this variant is likely to be disruptive. ClinVar contains an entry for this variant (Variation ID: 844419). This variant has not been reported in the literature in individuals affected with OPN1SW-related conditions. This variant is present in population databases (no rsID available, gnomAD 0.003%). This sequence change replaces leucine, which is neutral and non-polar, with valine, which is neutral and non-polar, at codon 227 of the OPN1SW protein (p.Leu227Val). In summary, the available evidence is currently insufficient to determine the role of this variant in disease. Therefore, it has been classified as a Variant of Uncertain Significance.